The following is an entry in ClinVar:

NM_139076.3(ABRAXAS1):c.14G>T (p.Ser5Ile)

Genes: ABRAXAS1 (abraxas 1, BRCA1 A complex subunit; minus strand), LOC129992784 (ATAC-STARR-seq lymphoblastoid silent region 15542; plus strand). Cytogenetic location: 4q21.23.
Variant type: single nucleotide variant.
Coding change: c.14G>T on transcript NM_139076.3 (MANE Select); coding-DNA position 14, G replaced by T.
Protein change: p.Ser5Ile; replaces serine 5 with isoleucine.
Molecular consequence: missense variant. On other transcripts: 5 prime UTR variant (1).
Genome position (GRCh38, 1-based): chr4:83,485,059, C>A on the plus strand (G>T on the coding strand, the complement: ABRAXAS1 is on the minus strand). VCF-style: chr4-83485059-C-A. GRCh37 (hg19) VCF-style: chr4-84406212-C-A.
Other names: c.-247G>T (NM_001345962.2); short protein forms S5I.
Identifiers: ClinVar variation 1010239 (VCV001010239.12), dbSNP rs1359421507, ClinGen allele CA357264100.

ClinVar aggregate classification (germline): Uncertain significance. Review status: criteria provided, multiple submitters, no conflicts (2 of 4 stars). 2 submissions from 2 submitters: Uncertain significance (2). Last evaluated 2025-02-27.

Allele frequency attached by ClinVar (database versions not stated): gnomAD exomes below 0.00001.
gnomAD v4.1: 5 of 1,590,726 alleles (0.00031%); highest among the groups gnomAD compares: Non-Finnish European, 0.00043%; no homozygotes.

Submissions (2):

Ambry Genetics
Classification: Uncertain significance. Last evaluated: 2025-02-27. Review status: criteria provided, single submitter. Criteria: Ambry Variant Classification Scheme 2023. Collection method: clinical testing. Allele origin: germline.
Comment: The p.S5I variant (also known as c.14G>T), located in coding exon 1 of the FAM175A gene, results from a G to T substitution at nucleotide position 14. The serine at codon 5 is replaced by isoleucine, an amino acid with dissimilar properties. This amino acid position is conserved. In addition, this alteration is predicted to be tolerated by in silico analysis. Since supporting evidence is limited at this time, the clinical significance of this alteration remains unclear.

Labcorp Genetics (formerly Invitae), Labcorp
Classification: Uncertain significance. Last evaluated: 2017-12-06. Review status: criteria provided, single submitter. Criteria: Invitae Variant Classification Sherloc (09022015). Collection method: clinical testing. Allele origin: germline.
Comment: In summary, the available evidence is currently insufficient to determine the role of this variant in disease. Therefore, it has been classified as a Variant of Uncertain Significance. Algorithms developed to predict the effect of missense changes on protein structure and function do not agree on the potential impact of this missense change (SIFT: "Deleterious"; PolyPhen-2: "Possibly Damaging"; Align-GVGD: "Class C0"). This variant has not been reported in the literature in individuals with FAM175A-related disease. This variant is not present in population databases (ExAC no frequency). This sequence change replaces serine with isoleucine at codon 5 of the FAM175A protein (p.Ser5Ile). The serine residue is moderately conserved and there is a large physicochemical difference between serine and isoleucine.